The following is an entry in ClinVar:

NM_003002.4(SDHD):c.307G>A (p.Gly103Ser)

Gene: SDHD (succinate dehydrogenase complex subunit D; plus strand). Cytogenetic location: 11q23.1.
Variant type: single nucleotide variant.
Coding change: c.307G>A on transcript NM_003002.4 (MANE Select); coding-DNA position 307, G replaced by A.
Protein change: p.Gly103Ser; replaces glycine 103 with serine.
Molecular consequence: missense variant. On other transcripts: non-coding transcript variant (1), intron variant (1).
Genome position (GRCh38, 1-based): chr11:112,089,004, G>A. VCF-style: chr11-112089004-G-A. GRCh37 (hg19) VCF-style: chr11-111959728-G-A.
Other names: c.190G>A, p.Gly64Ser (NM_001276504.2); c.307G>A, p.Gly103Ser (NM_001276506.2); c.169+1031G>A (NM_001276503.2); short protein forms G103S, G64S.
Identifiers: ClinVar variation 4783670 (VCV004783670.1).

ClinVar aggregate classification (germline): Uncertain significance (1 of 4 stars; one submission).

Conditions:
Pheochromocytoma. Also called: MAX-Related Hereditary Paraganglioma-Pheochromocytoma Syndrome. Identifiers: Orphanet 29072, MedGen C0031511, MONDO:0008233, OMIM 171300, HP:0002666.
Carney-Stratakis syndrome. Also called: PARAGANGLIOMA AND GASTROINTESTINAL STROMAL TUMOR. Identifiers: Orphanet 97286, MedGen C1847319, MONDO:0011740, OMIM 606864.
Cowden syndrome 3 (CWS3). Identifiers: Orphanet 201, MedGen CN166604, MONDO:0014045.
Paragangliomas with sensorineural hearing loss. Identifiers: MedGen C1868633.

Submission:

Labcorp Genetics (formerly Invitae), Labcorp
Classification: Uncertain significance for Carney-Stratakis syndrome; Paragangliomas with sensorineural hearing loss; Pheochromocytoma; Cowden syndrome 3. Last evaluated: 2025-10-24. Review status: criteria provided, single submitter. Criteria: Invitae Variant Classification Sherloc (09022015). Collection method: clinical testing. Allele origin: germline.
Comment: This sequence change replaces glycine, which is neutral and non-polar, with serine, which is neutral and polar, at codon 103 of the SDHD protein (p.Gly103Ser). This variant is not present in population databases (gnomAD no frequency). This variant has not been reported in the literature in individuals affected with SDHD-related conditions. Invitae Evidence Modeling of protein sequence and biophysical properties (such as structural, functional, and spatial information, amino acid conservation, physicochemical variation, residue mobility, and thermodynamic stability) indicates that this missense variant is not expected to disrupt SDHD protein function with a negative predictive value of 95%. In summary, the available evidence is currently insufficient to determine the role of this variant in disease. Therefore, it has been classified as a Variant of Uncertain Significance.